The following is an entry in ClinVar:

NM_005655.4(KLF10):c.256A>C (p.Thr86Pro)

Gene: KLF10 (KLF transcription factor 10; minus strand). Cytogenetic location: 8q22.3.
Variant type: single nucleotide variant.
Coding change: c.256A>C on transcript NM_005655.4 (MANE Select); coding-DNA position 256, A replaced by C.
Protein change: p.Thr86Pro; replaces threonine 86 with proline.
Molecular consequence: missense variant. On other transcripts: non-coding transcript variant (2).
Genome position (GRCh38, 1-based): chr8:102,652,178, T>G on the plus strand (A>C on the coding strand, the complement: KLF10 is on the minus strand). VCF-style: chr8-102652178-T-G. GRCh37 (hg19) VCF-style: chr8-103664406-T-G.
Other names: c.223A>C, p.Thr75Pro (NM_001032282.4); short protein forms T75P, T86P.
Identifiers: ClinVar variation 4719305 (VCV004719305.1).

ClinVar aggregate classification (germline): Uncertain significance (1 of 4 stars; one submission).

Submission:

Labcorp Genetics (formerly Invitae), Labcorp
Classification: Uncertain significance. Last evaluated: 2025-05-11. Review status: criteria provided, single submitter. Criteria: Invitae Variant Classification Sherloc (09022015). Collection method: clinical testing. Allele origin: germline.
Comment: This sequence change replaces threonine, which is neutral and polar, with proline, which is neutral and non-polar, at codon 86 of the KLF10 protein (p.Thr86Pro). This variant is not present in population databases (gnomAD no frequency). This variant has not been reported in the literature in individuals affected with KLF10-related conditions. An algorithm developed to predict the effect of missense changes on protein structure and function (PolyPhen-2) suggests that this variant is likely to be tolerated. In summary, the available evidence is currently insufficient to determine the role of this variant in disease. Therefore, it has been classified as a Variant of Uncertain Significance.